The following is an entry in ClinVar:

ClinVar aggregate classification (germline): Pathogenic. Review status: criteria provided, multiple submitters, no conflicts (2 of 4 stars). 5 submissions from 5 submitters: Pathogenic (5). Last evaluated 2025-07-27.

Conditions:
Neurofibromatosis, type 1 (NF1). Also called: Peripheral type neurofibromatosis; VON RECKLINGHAUSEN DISEASE; Neurofibromatosis, type I; NEUROFIBROMATOSIS, TYPE I, SOMATIC. Identifiers: Orphanet 636, MedGen C0027831, MONDO:0018975, OMIM 162200. Disease mechanism: loss of function.

Submissions (5):

Variantyx, Inc.
Classification: Pathogenic for Neurofibromatosis, type 1. Last evaluated: 2025-07-27. Review status: criteria provided, single submitter. Criteria: Variantyx Assertion Criteria 2022. Collection method: clinical testing. Allele origin: germline. Inheritance: Autosomal dominant inheritance. Affected: yes.
Comment: This is a nonsense variant in the NF1 gene (OMIM: 613113). Pathogenic variants in this gene have been associated with autosomal dominant neurofibromatosis type 1. This variant introduces a premature termination codon in exon 37 out of 58 and is expected to result in loss of function, which is a known disease mechanism for NF1 in this disorder (PMID: 34427956) (PVS1). This variant has been reported in at least one affected individuals (PMID: 23913538) (PS4_Moderate), while it is absent from control populations (PM2). Based on the current evidence, this variant is classified as pathogenic for autosomal dominant neurofibromatosis type 1.

Labcorp Genetics (formerly Invitae), Labcorp
Classification: Pathogenic for Neurofibromatosis, type 1. Last evaluated: 2025-01-19. Review status: criteria provided, single submitter. Criteria: Invitae Variant Classification Sherloc (09022015). Collection method: clinical testing. Allele origin: germline.
Comment: This sequence change creates a premature translational stop signal (p.Tyr1604*) in the NF1 gene. It is expected to result in an absent or disrupted protein product. Loss-of-function variants in NF1 are known to be pathogenic (PMID: 10712197, 23913538). This variant is not present in population databases (gnomAD no frequency). This premature translational stop signal has been observed in individual(s) with clinical features of neurofibromatosis (PMID: 23913538). ClinVar contains an entry for this variant (Variation ID: 1070051). For these reasons, this variant has been classified as Pathogenic.

NHS Central & South Genomic Laboratory Hub
Classification: Pathogenic for Neurofibromatosis type 1. Last evaluated: 2024-07-01. Review status: criteria provided, single submitter. Criteria: ACMG Guidelines, 2015. Collection method: clinical testing. Allele origin: germline. Affected: yes.

Baylor Genetics
Classification: Pathogenic for Neurofibromatosis, type 1. Last evaluated: 2022-10-03. Review status: criteria provided, single submitter. Criteria: ACMG Guidelines, 2015. Collection method: clinical testing. Allele origin: unknown.

Clinical Genetics Laboratory, Skane University Hospital Lund
Classification: Pathogenic. Last evaluated: 2022-09-21. Review status: criteria provided, single submitter. Criteria: ACMG Guidelines, 2015. Collection method: clinical testing. Allele origin: germline. Affected: yes.

Literature cited by the submitters: PubMed 34427956 (cited by Variantyx, Inc.); PubMed 23913538 (cited by Variantyx, Inc. and Labcorp Genetics (formerly Invitae), Labcorp); PubMed 10712197 (cited by Labcorp Genetics (formerly Invitae), Labcorp).

NM_001042492.3(NF1):c.4875C>A (p.Tyr1625Ter)

Gene: NF1 (neurofibromin 1; plus strand). Cytogenetic location: 17q11.2.
Variant type: single nucleotide variant.
Coding change: c.4875C>A on transcript NM_001042492.3 (MANE Select); coding-DNA position 4875, C replaced by A.
Protein change: p.Tyr1625Ter; replaces tyrosine 1625 with a stop codon.
Molecular consequence: nonsense.
Genome position (GRCh38, 1-based): chr17:31,325,859, C>A. VCF-style: chr17-31325859-C-A. GRCh37 (hg19) VCF-style: chr17-29652877-C-A.
Other names: c.4812C>A, p.Tyr1604Ter (NM_000267.4); short protein forms Y1604*, Y1625*.
Identifiers: ClinVar variation 1070051 (VCV001070051.9), dbSNP rs1555533285, ClinGen allele CA399007008.